The following is an entry in ClinVar:

NM_015046.7(SETX):c.*1224G>C

Gene: SETX (senataxin; minus strand). Cytogenetic location: 9q34.13.
Variant type: single nucleotide variant.
Coding change: c.*1224G>C on transcript NM_015046.7 (MANE Select); 1224 bases downstream of the stop codon, G replaced by C.
Molecular consequence: 3 prime UTR variant.
Genome position (GRCh38, 1-based): chr9:132,263,015, C>G on the plus strand (G>C on the coding strand, the complement: SETX is on the minus strand). VCF-style: chr9-132263015-C-G. GRCh37 (hg19) VCF-style: chr9-135138402-C-G.
Other names: c.*1224G>C (NM_001351527.2, NM_001351528.2).
Identifiers: ClinVar variation 365320 (VCV000365320.5), dbSNP rs10491906, ClinGen allele CA10632576.

ClinVar aggregate classification (germline): Benign. Review status: criteria provided, single submitter (1 of 4 stars). 2 submissions from 1 submitter: Benign (2). Last evaluated 2018-01-12.

Conditions:
Amyotrophic lateral sclerosis type 4 (ALS4). Also called: AMYOTROPHIC LATERAL SCLEROSIS 4, JUVENILE; NEURONOPATHY, DISTAL HEREDITARY MOTOR, WITH PYRAMIDAL FEATURES. Identifiers: Orphanet 357043, MedGen C1865409, MONDO:0011223, OMIM 602433.
Spinocerebellar ataxia, autosomal recessive, with axonal neuropathy 2 (SCAN2). Also called: ATAXIA-OCULOMOTOR APRAXIA 2; Ataxia-ocular apraxia-2; Ataxia with Oculomotor Apraxia; Ataxia with Oculomotor Apraxia Type 2. Identifiers: Orphanet 64753, MedGen C1853761, MONDO:0018996, OMIM 606002.

Allele frequency attached by ClinVar (database versions not stated): 1000 Genomes Project 0.01338; gnomAD 0.01362 and 0.01458; TOPMed 0.01499; 1000 Genomes Project 30x 0.01515.

Submissions (2):

Illumina Laboratory Services, Illumina
Classification: Benign for Amyotrophic lateral sclerosis type 4. Last evaluated: 2018-01-12. Review status: criteria provided, single submitter. Criteria: ICSL Variant Classification Criteria 13 December 2019. Collection method: clinical testing. Allele origin: germline.
Comment: This variant was observed in the ICSL laboratory as part of a predisposition screen in an ostensibly healthy population. It had not been previously curated by ICSL or reported in the Human Gene Mutation Database (HGMD: prior to June 1st, 2018), and was therefore a candidate for classification through an automated scoring system. Utilizing variant allele frequency, disease prevalence and penetrance estimates, and inheritance mode, an automated score was calculated to assess if this variant is too frequent to cause the disease. Based on the score and internal cut-off values, a variant classified as benign is not then subjected to further curation. The score for this variant resulted in a classification of benign for this disease.

Illumina Laboratory Services, Illumina
Classification: Benign for Spinocerebellar ataxia, autosomal recessive, with axonal neuropathy 2. Last evaluated: 2018-01-12. Review status: criteria provided, single submitter. Criteria: ICSL Variant Classification Criteria 13 December 2019. Collection method: clinical testing. Allele origin: germline.
Comment: the same text as in the submission from Illumina Laboratory Services, Illumina above.